The following is an entry in ClinVar:

NM_004415.4(DSP):c.1550C>T (p.Pro517Leu)

Gene: DSP (desmoplakin; plus strand). Cytogenetic location: 6p24.3.
Variant type: single nucleotide variant.
Coding change: c.1550C>T on transcript NM_004415.4 (MANE Select); coding-DNA position 1550, C replaced by T.
Protein change: p.Pro517Leu; replaces proline 517 with leucine.
Molecular consequence: missense variant.
Genome position (GRCh38, 1-based): chr6:7,569,316, C>T. VCF-style: chr6-7569316-C-T. GRCh37 (hg19) VCF-style: chr6-7569549-C-T.
Other names: c.1550C>T, p.Pro517Leu (NM_001008844.3, NM_001319034.2); short protein forms P517L.
Identifiers: ClinVar variation 5037373 (VCV005037373.1).

ClinVar aggregate classification (germline): Uncertain significance (1 of 4 stars; one submission).

Submission:

GeneDx
Classification: Uncertain significance. Last evaluated: 2026-04-17. Review status: criteria provided, single submitter. Criteria: GeneDx Variant Classification Process June 2021. Collection method: clinical testing. Allele origin: germline.
Comment: Not observed at significant frequency in large population cohorts (gnomAD); In silico analysis supports that this missense variant has a deleterious effect on protein structure/function; Has not been previously published as pathogenic or benign to our knowledge